The following is an entry in ClinVar:

NM_207361.6(FREM2):c.5648C>A (p.Thr1883Asn)

Gene: FREM2 (FRAS1 related extracellular matrix 2; plus strand). Cytogenetic location: 13q13.3.
Variant type: single nucleotide variant.
Coding change: c.5648C>A on transcript NM_207361.6 (MANE Select); coding-DNA position 5648, C replaced by A.
Protein change: p.Thr1883Asn; replaces threonine 1883 with asparagine.
Molecular consequence: missense variant.
Genome position (GRCh38, 1-based): chr13:38,783,076, C>A. VCF-style: chr13-38783076-C-A. GRCh37 (hg19) VCF-style: chr13-39357213-C-A.
Other names: c.5648C>A (NM_207361.4); short protein forms T1883N.
Identifiers: ClinVar variation 1982071 (VCV001982071.3), dbSNP rs369908562, ClinGen allele CA248276437.
Genomic context (GRCh38, chr13:38,783,076, plus strand): 5'-CAGAGGTAAGAAGCTCAGACAAAAATAATGCTTGCAATTGTGTTTTCTCTCTAGAGCCAA[C>A]TGTGTTTATTCCCCAGTCCAAATACTCCGTTGAAGAAGATGTTGGTGAGCTGTTCATTCC-3'
Protein context (NP_997244.4, residues 1873-1893): VEIVDPGDEP[Thr1883Asn]VFIPQSKYSV

ClinVar aggregate classification (germline): Uncertain significance. Review status: criteria provided, multiple submitters, no conflicts (2 of 4 stars). 2 submissions from 2 submitters: Uncertain significance (2). Last evaluated 2025-04-15.

Conditions:
Inborn genetic diseases. Identifiers: MedGen C0950123, MeSH D030342.

Allele frequency attached by ClinVar (database versions not stated): gnomAD exomes below 0.00001.
gnomAD v4.1: 3 of 1,613,652 alleles (0.00019%); highest among the groups gnomAD compares: Non-Finnish European, 0.000085%; no homozygotes.

Submissions (2):

Ambry Genetics
Classification: Uncertain significance for Inborn genetic diseases. Last evaluated: 2025-04-15. Review status: criteria provided, single submitter. Criteria: Ambry Variant Classification Scheme 2023. Collection method: clinical testing. Allele origin: germline.

Labcorp Genetics (formerly Invitae), Labcorp
Classification: Uncertain significance. Last evaluated: 2024-06-03. Review status: criteria provided, single submitter. Criteria: Invitae Variant Classification Sherloc (09022015). Collection method: clinical testing. Allele origin: germline.
Comment: This sequence change replaces threonine, which is neutral and polar, with asparagine, which is neutral and polar, at codon 1883 of the FREM2 protein (p.Thr1883Asn). This variant is not present in population databases (gnomAD no frequency). This variant has not been reported in the literature in individuals affected with FREM2-related conditions. ClinVar contains an entry for this variant (Variation ID: 1982071). An algorithm developed to predict the effect of missense changes on protein structure and function (PolyPhen-2) suggests that this variant is likely to be disruptive. In summary, the available evidence is currently insufficient to determine the role of this variant in disease. Therefore, it has been classified as a Variant of Uncertain Significance.